The following is an entry in ClinVar:

ClinVar aggregate classification (germline): Uncertain significance. Review status: criteria provided, multiple submitters, no conflicts (2 of 4 stars). 2 submissions from 2 submitters: Uncertain significance (2). Last evaluated 2024-05-27.

Conditions:
Autosomal recessive inherited pseudoxanthoma elasticum (PXE). Identifiers: Orphanet 758, MedGen CN032334, MONDO:0009925, OMIM 264800.
Pseudoxanthoma elasticum, forme fruste. Also called: Pseudoxanthoma Elasticum, Incomplete; PSEUDOXANTHOMA ELASTICUM, HETEROZYGOUS. Identifiers: Orphanet 758, MedGen C1867450, MONDO:0008333, OMIM 177850.
Arterial calcification, generalized, of infancy, 2. Identifiers: Orphanet 51608, MedGen C3276161, MONDO:0013768, OMIM 614473.

Allele frequency attached by ClinVar (database versions not stated): TOPMed 0.00003; gnomAD 0.00004; gnomAD exomes 0.00002; ExAC 0.00002.
gnomAD v4.1: 72 of 1,613,922 alleles (0.0045%); highest among the groups gnomAD compares: East Asian, 0.0089%; 1 homozygote.

Submissions (2):

Fulgent Genetics
Classification: Uncertain significance for Pseudoxanthoma elasticum, forme fruste; Autosomal recessive inherited pseudoxanthoma elasticum; Arterial calcification, generalized, of infancy, 2. Last evaluated: 2024-05-27. Review status: criteria provided, single submitter. Criteria: ACMG Guidelines, 2015. Collection method: clinical testing. Allele origin: germline.

Labcorp Genetics (formerly Invitae), Labcorp
Classification: Uncertain significance. Last evaluated: 2022-10-04. Review status: criteria provided, single submitter. Criteria: Invitae Variant Classification Sherloc (09022015). Collection method: clinical testing. Allele origin: germline.
Comment: This sequence change replaces alanine, which is neutral and non-polar, with threonine, which is neutral and polar, at codon 452 of the ABCC6 protein (p.Ala452Thr). This variant is present in population databases (rs761364455, gnomAD 0.006%). This variant has not been reported in the literature in individuals affected with ABCC6-related conditions. ClinVar contains an entry for this variant (Variation ID: 1434929). Algorithms developed to predict the effect of missense changes on protein structure and function (SIFT, PolyPhen-2, Align-GVGD) all suggest that this variant is likely to be tolerated. In summary, the available evidence is currently insufficient to determine the role of this variant in disease. Therefore, it has been classified as a Variant of Uncertain Significance.

NM_001171.6(ABCC6):c.1354G>A (p.Ala452Thr)

Gene: ABCC6 (ATP binding cassette subfamily C member 6; minus strand). Cytogenetic location: 16p13.11.
Variant type: single nucleotide variant.
Coding change: c.1354G>A on transcript NM_001171.6 (MANE Select); coding-DNA position 1354, G replaced by A.
Protein change: p.Ala452Thr; replaces alanine 452 with threonine.
Molecular consequence: missense variant. On other transcripts: non-coding transcript variant (1).
Genome position (GRCh38, 1-based): chr16:16,192,907, C>T on the plus strand (G>A on the coding strand, the complement: ABCC6 is on the minus strand). VCF-style: chr16-16192907-C-T. GRCh37 (hg19) VCF-style: chr16-16286764-C-T.
Other names: c.1012G>A, p.Ala338Thr (NM_001351800.1); short protein forms A338T, A452T.
Identifiers: ClinVar variation 1434929 (VCV001434929.4), dbSNP rs761364455, ClinGen allele CA7926329.